The following is an entry in ClinVar:

ClinVar aggregate classification (germline): Uncertain significance (1 of 4 stars; one submission).

Conditions:
Dyskeratosis congenita, autosomal dominant 1 (DKCA1). Also called: Dyskeratosis congenita Scoggins type. Identifiers: Orphanet 1775, MedGen C4551974, MONDO:0007485, OMIM 127550. Inheritance: Variable.

Submission:

Labcorp Genetics (formerly Invitae), Labcorp
Classification: Uncertain significance for Dyskeratosis congenita, autosomal dominant 1. Last evaluated: 2025-03-13. Review status: criteria provided, single submitter. Criteria: Invitae Variant Classification Sherloc (09022015). Collection method: clinical testing. Allele origin: germline.
Comment: This variant occurs in the TERC gene, which encodes an RNA molecule that does not result in a protein product. This variant is not present in population databases (gnomAD no frequency). This variant has not been reported in the literature in individuals affected with TERC-related conditions. This variant is located within the conserved regions 4 and 5 (CR4-CR5) domain of the TERC RNA component, which is required for telomerase activity (PMID: 15082312, 21844345). In summary, the available evidence is currently insufficient to determine the role of this variant in disease. Therefore, it has been classified as a Variant of Uncertain Significance.

Literature cited by the submitters: PubMed 15082312; PubMed 21844345.

NR_001566.3(TERC):n.315G>C

Genes: TERC (telomerase RNA component; minus strand), LOC110806306 (telomerase RNA component (TERC) promoter; plus strand). Cytogenetic location: 3q26.2.
Variant type: single nucleotide variant.
Molecular consequence: non-coding transcript variant (on NR_001566.3).
Genome position: GRCh38 VCF-style: chr3-169764746-C-G. GRCh37 (hg19) VCF-style: chr3-169482534-C-G.
Identifiers: ClinVar variation 4715098 (VCV004715098.1).
Genomic context (GRCh38, chr3:169,764,746, plus strand): 5'-CTCTTCCTGCGGCCTGAAAGGCCTGAACCTCGCCCTCGCCCCCGAGAGACCCGCGGCTGA[C>G]AGAGCCCAACTCTTCGCGGTGGCAGTGGGTGCCTCCGGAGAAGCCCCGGGCCGACCGCGG-3'